The following is an entry in ClinVar:

NM_020884.7(MYH7B):c.3563C>T (p.Ala1188Val)

Gene: MYH7B (myosin heavy chain 7B; plus strand). Cytogenetic location: 20q11.22.
Variant type: single nucleotide variant.
Coding change: c.3563C>T on transcript NM_020884.7 (MANE Select); coding-DNA position 3563, C replaced by T.
Protein change: p.Ala1188Val; replaces alanine 1188 with valine.
Molecular consequence: missense variant.
Genome position (GRCh38, 1-based): chr20:34,997,456, C>T. VCF-style: chr20-34997456-C-T. GRCh37 (hg19) VCF-style: chr20-33585259-C-T.
Other names: short protein forms A1188V.
Identifiers: ClinVar variation 2882914 (VCV002882914.3), dbSNP rs778166915, ClinGen allele CA9827761.

ClinVar aggregate classification (germline): Uncertain significance (1 of 4 stars; one submission).

Allele frequency attached by ClinVar (database versions not stated): gnomAD exomes 0.00002; gnomAD 0.00003; TOPMed 0.00004.
gnomAD v4.1: 34 of 1,488,252 alleles (0.0023%); highest among the groups gnomAD compares: East Asian, 0.04%; no homozygotes.

Submission:

Labcorp Genetics (formerly Invitae), Labcorp
Classification: Uncertain significance. Last evaluated: 2023-11-03. Review status: criteria provided, single submitter. Criteria: Invitae Variant Classification Sherloc (09022015). Collection method: clinical testing. Allele origin: germline.
Comment: This sequence change replaces alanine, which is neutral and non-polar, with valine, which is neutral and non-polar, at codon 1230 of the MYH7B protein (p.Ala1230Val). This variant is present in population databases (rs778166915, gnomAD 0.03%). This variant has not been reported in the literature in individuals affected with MYH7B-related conditions. Advanced modeling of protein sequence and biophysical properties (such as structural, functional, and spatial information, amino acid conservation, physicochemical variation, residue mobility, and thermodynamic stability) performed at Invitae indicates that this missense variant is not expected to disrupt MYH7B protein function with a negative predictive value of 80%. In summary, the available evidence is currently insufficient to determine the role of this variant in disease. Therefore, it has been classified as a Variant of Uncertain Significance.